The following is an entry in ClinVar:

ClinVar aggregate classification (germline): Conflicting classifications of pathogenicity. Review status: criteria provided, conflicting classifications (1 of 4 stars). 2 submissions from 2 submitters: Uncertain significance (1); Likely benign (1). Last evaluated 2025-09-17.

Allele frequency attached by ClinVar (database versions not stated): gnomAD 0.00015.

Submissions (2):

Labcorp Genetics (formerly Invitae), Labcorp
Classification: Uncertain significance. Last evaluated: 2025-09-17. Review status: criteria provided, single submitter. Criteria: Invitae Variant Classification Sherloc (09022015). Collection method: clinical testing. Allele origin: germline.
Comment: This sequence change replaces valine, which is neutral and non-polar, with glycine, which is neutral and non-polar, at codon 186 of the LOR protein (p.Val186Gly). This variant is present in population databases (no rsID available, gnomAD 0.08%). This variant has not been reported in the literature in individuals affected with LOR-related conditions. ClinVar contains an entry for this variant (Variation ID: 3119573). An algorithm developed to predict the effect of missense changes on protein structure and function outputs the following: PolyPhen-2: "Not Available". The glycine amino acid residue is found in multiple mammalian species, which suggests that this missense change does not adversely affect protein function. In summary, the available evidence is currently insufficient to determine the role of this variant in disease. Therefore, it has been classified as a Variant of Uncertain Significance.

Ambry Genetics
Classification: Likely benign. Last evaluated: 2023-12-15. Review status: criteria provided, single submitter. Criteria: Ambry Variant Classification Scheme 2023. Collection method: clinical testing. Allele origin: germline.

NM_000427.3(LORICRIN):c.557T>G (p.Val186Gly)

Gene: LORICRIN (loricrin cornified envelope precursor protein; plus strand). Cytogenetic location: 1q21.3.
Variant type: single nucleotide variant.
Coding change: c.557T>G on transcript NM_000427.3 (MANE Select); coding-DNA position 557, T replaced by G.
Protein change: p.Val186Gly; replaces valine 186 with glycine.
Molecular consequence: missense variant.
Genome position (GRCh38, 1-based): chr1:153,261,506, T>G. VCF-style: chr1-153261506-T-G. GRCh37 (hg19) VCF-style: chr1-153233982-T-G.
Other names: short protein forms V186G.
Identifiers: ClinVar variation 3119573 (VCV003119573.2), dbSNP rs1368248226, ClinGen allele CA342506415.